The following is an entry in ClinVar:

ClinVar aggregate classification (germline): Likely benign (1 of 4 stars; one submission).

Conditions:
Congenital myopathy 23 (CMYO23). Also called: NEMALINE MYOPATHY 4; CAP MYOPATHY 2; Nemaline myopathy 4, autosomal dominant. Identifiers: MedGen C1836447, MONDO:0012240, OMIM 609285.

Submission:

Centre for Medical Genetics,  Mumbai
Classification: Likely benign for Congenital myopathy 23. Last evaluated: 2026-05-06. Review status: criteria provided, single submitter. Criteria: ACMG Guidelines, 2015. Collection method: provider interpretation. Allele origin: germline. Inheritance: Autosomal dominant inheritance. Affected: no. Observed: 1 variant allele, 1 heterozygote.
Comment: The variant satisfies PM2 criteria - extremely low frequency in gnomAD population databases. The variant satisfies PP3 criteria - for a missense or a splicing region variant, computational prediction tools unanimously support a deleterious effect on the gene. The variant satisfies PP2 criteria - missense variant in a gene with low rate of benign missense mutations and for which missense mutation is a common mechanism of a disease. However, the variant satisfies BS2 criteria - present in heterozygous state in an individual that clinically does not have congenital myopathy.

Literature cited by the submitters: PubMed 11738357.

NM_003289.4(TPM2):c.563G>C (p.Ser188Thr)

Gene: TPM2 (tropomyosin 2; minus strand). Cytogenetic location: 9p13.3.
Variant type: single nucleotide variant.
Coding change: c.563G>C on transcript NM_003289.4 (MANE Select); coding-DNA position 563, G replaced by C.
Protein change: p.Ser188Thr; replaces serine 188 with threonine.
Molecular consequence: missense variant.
Genome position (GRCh38, 1-based): chr9:35,685,269, C>G on the plus strand (G>C on the coding strand, the complement: TPM2 is on the minus strand). VCF-style: chr9-35685269-C-G. GRCh37 (hg19) VCF-style: chr9-35685266-C-G.
Other names: c.563G>C, p.Ser188Thr (NM_001301226.2, NM_001301227.2, NM_213674.1); short protein forms S188T.
Identifiers: ClinVar variation 4852297 (VCV004852297.1).
Genomic context (GRCh38, chr9:35,685,269, plus strand): 5'-CCCACTGTGTGGAAGGCCCCAGGGCCAATGGGCTCACTTGTCACCCCCGGGTATCTTTAC[C>G]TCTCGGCCACCTCAGCCCTCTCCTCCGAGCGCTCCAGCTCTCCTTCCAGGATCACCAGCT-3'
Protein context (NP_003280.2, residues 178-198): RSEERAEVAE[Ser188Thr]KCGDLEEELK